The following is an entry in ClinVar:

ClinVar aggregate classification (germline): Uncertain significance (1 of 4 stars; one submission).

Conditions:
Inborn genetic diseases. Identifiers: MedGen C0950123, MeSH D030342.

Submission:

Ambry Genetics
Classification: Uncertain significance for Inborn genetic diseases. Last evaluated: 2024-09-11. Review status: criteria provided, single submitter. Criteria: Ambry Variant Classification Scheme 2023. Collection method: clinical testing. Allele origin: germline.
Comment: The p.V734G variant (also known as c.2201T>G), located in coding exon 10 of the MEFV gene, results from a T to G substitution at nucleotide position 2201. The valine at codon 734 is replaced by glycine, an amino acid with dissimilar properties. This amino acid position is conserved. In addition, in silico predictors for this gene do not accurately predict pathogenicity. Based on the available evidence, the clinical significance of this variant remains unclear.

NM_000243.3(MEFV):c.2201T>G (p.Val734Gly)

Gene: MEFV (MEFV innate immunity regulator, pyrin; minus strand). Cytogenetic location: 16p13.3.
Variant type: single nucleotide variant.
Coding change: c.2201T>G on transcript NM_000243.3 (MANE Select); coding-DNA position 2201, T replaced by G.
Protein change: p.Val734Gly; replaces valine 734 with glycine.
Molecular consequence: missense variant. On other transcripts: 3 prime UTR variant (1).
Genome position (GRCh38, 1-based): chr16:3,243,286, A>C on the plus strand (T>G on the coding strand, the complement: MEFV is on the minus strand). VCF-style: chr16-3243286-A-C. GRCh37 (hg19) VCF-style: chr16-3293286-A-C.
Other names: c.*405T>G (NM_001198536.2); short protein forms V734G.
Identifiers: ClinVar variation 3394733 (VCV003394733.1).
Genomic context (GRCh38, chr16:3,243,286, plus strand): 5'-GGTTGAAGGGGCCCAGAGAAAGAGCAGCTGGCGAATGTATAGATGTGGGATCTGGCTGTC[A>C]CATTGTAAAAGGAGATGCTTCCAACTCTGTAGTCCACGAAGATGCCCACACGCTTGGGAG-3'
Protein context (NP_000234.1, residues 724-744): YRVGSISFYN[Val734Gly]TARSHIYTFA